The following is an entry in ClinVar:

ClinVar aggregate classification (germline): Uncertain significance (1 of 4 stars; one submission).

Conditions:
Combined immunodeficiency due to DOCK8 deficiency (HIES2). Also called: HYPER-IgE RECURRENT INFECTION SYNDROME 2, AUTOSOMAL RECESSIVE; HYPER-IgE SYNDROME 2, AUTOSOMAL RECESSIVE, WITH RECURRENT INFECTIONS; HIES autosomal recessive; DOCK8 Deficiency; Hyper-IgE recurrent infection syndrome, autosomal recessive. Identifiers: Orphanet 217390, MedGen C4722305, MONDO:0009478, OMIM 243700.

Submission:

Labcorp Genetics (formerly Invitae), Labcorp
Classification: Uncertain significance for Combined immunodeficiency due to DOCK8 deficiency. Last evaluated: 2022-06-04. Review status: criteria provided, single submitter. Criteria: Invitae Variant Classification Sherloc (09022015). Collection method: clinical testing. Allele origin: germline.
Comment: ClinVar contains an entry for this variant (Variation ID: 851824). In summary, the available evidence is currently insufficient to determine the role of this variant in disease. Therefore, it has been classified as a Variant of Uncertain Significance. Algorithms developed to predict the effect of missense changes on protein structure and function are either unavailable or do not agree on the potential impact of this missense change (SIFT: "Tolerated"; PolyPhen-2: "Probably Damaging"; Align-GVGD: "Class C0"). This variant has not been reported in the literature in individuals affected with DOCK8-related conditions. This variant is not present in population databases (gnomAD no frequency). This sequence change replaces lysine, which is basic and polar, with asparagine, which is neutral and polar, at codon 379 of the DOCK8 protein (p.Lys379Asn).

NM_203447.4(DOCK8):c.1137G>C (p.Lys379Asn)

Gene: DOCK8 (dedicator of cytokinesis 8; plus strand). Cytogenetic location: 9p24.3.
Variant type: single nucleotide variant.
Coding change: c.1137G>C on transcript NM_203447.4 (MANE Select); coding-DNA position 1137, G replaced by C.
Protein change: p.Lys379Asn; replaces lysine 379 with asparagine.
Molecular consequence: missense variant.
Genome position (GRCh38, 1-based): chr9:334,236, G>C. VCF-style: chr9-334236-G-C. GRCh37 (hg19) VCF-style: chr9-334236-G-C.
Other names: c.933G>C, p.Lys311Asn (NM_001190458.2, NM_001193536.2); short protein forms K311N, K379N.
Identifiers: ClinVar variation 851824 (VCV000851824.10), dbSNP rs2051198033, ClinGen allele CA372752509.